The following is an entry in ClinVar:

ClinVar aggregate classification (germline): Uncertain significance (1 of 4 stars; one submission).

Conditions:
Dilated cardiomyopathy 1W (CMD1W). Identifiers: Orphanet 154, MedGen C1969639, MONDO:0012667, OMIM 611407.

Allele frequency attached by ClinVar (database versions not stated): gnomAD exomes below 0.00001.
gnomAD v4.1: 1 of 1,594,444 alleles (0.000063%); highest among the groups gnomAD compares: South Asian, 0.0011%; no homozygotes.

Submission:

Labcorp Genetics (formerly Invitae), Labcorp
Classification: Uncertain significance for Dilated cardiomyopathy 1W. Last evaluated: 2019-10-10. Review status: criteria provided, single submitter. Criteria: Invitae Variant Classification Sherloc (09022015). Collection method: clinical testing. Allele origin: germline.
Comment: This sequence change replaces aspartic acid with glycine at codon 33 of the VCL protein (p.Asp33Gly). The aspartic acid residue is highly conserved and there is a moderate physicochemical difference between aspartic acid and glycine. This variant is not present in population databases (ExAC no frequency). This variant has not been reported in the literature in individuals with VCL-related conditions. Algorithms developed to predict the effect of missense changes on protein structure and function are either unavailable or do not agree on the potential impact of this missense change (SIFT: "Not Available"; PolyPhen-2: "Probably Damaging"; Align-GVGD: "Not Available"). Algorithms developed to predict the effect of sequence changes on RNA splicing suggest that this variant may create or strengthen a splice site, but this prediction has not been confirmed by published transcriptional studies. In summary, the available evidence is currently insufficient to determine the role of this variant in disease. Therefore, it has been classified as a Variant of Uncertain Significance.

NM_014000.3(VCL):c.98A>G (p.Asp33Gly)

Genes: VCL (vinculin; plus strand), LOC130004109 (ATAC-STARR-seq lymphoblastoid active region 3587; plus strand). Cytogenetic location: 10q22.2.
Variant type: single nucleotide variant.
Coding change: c.98A>G on transcript NM_014000.3 (MANE Select); coding-DNA position 98, A replaced by G.
Protein change: p.Asp33Gly; replaces aspartic acid 33 with glycine.
Molecular consequence: missense variant.
Genome position (GRCh38, 1-based): chr10:73,998,305, A>G. VCF-style: chr10-73998305-A-G. GRCh37 (hg19) VCF-style: chr10-75758063-A-G.
Other names: c.98A>G, p.Asp33Gly (NM_003373.4); short protein forms D33G.
Identifiers: ClinVar variation 963301 (VCV000963301.8), dbSNP rs1840154118, ClinGen allele CA377255204.